The following is an entry in ClinVar:

NM_001130987.2(DYSF):c.3381_3382del (p.Phe1128fs)

Gene: DYSF (dysferlin; plus strand). Cytogenetic location: 2p13.2.
Variant type: Microsatellite.
Coding change: c.3381_3382del on transcript NM_001130987.2 (MANE Select); coding-DNA positions 3381 to 3382, 2 bases deleted (GT; older notation c.3381_3382delGT).
Protein change: p.Phe1128fs; shifts the reading frame from phenylalanine 1128.
Molecular consequence: frameshift variant.
Genome position (GRCh38, 1-based): chr2:71,574,350-71,574,351, GT deleted; deleting any 2 consecutive bases within chr2:71,574,347-71,574,351 gives the same sequence; the c. name uses the placement nearest the transcript's 3' end. VCF-style (leftmost placement, unchanged base first): chr2-71574346-CTG-C. GRCh37 (hg19) VCF-style: chr2-71801476-CTG-C.
Other names: NM_001130987.2(DYSF):c.3381_3382del; p.Phe1128fs; c.3327_3328delGT (NM_003494.3); c.3381_3382del, p.Phe1128fs (NM_001130985.2); c.3288_3289del, p.Phe1097fs (NM_001130986.2, NM_001130984.2); c.3327_3328del, p.Phe1110fs (NM_003494.4, NM_001130978.2); c.3330_3331del, p.Phe1111fs (NM_001130455.2, NM_001130983.2); c.3285_3286del, p.Phe1096fs (NM_001130976.2, NM_001130977.2); and 3 more; short protein forms F1096fs, F1097fs, F1142fs, F1110fs, F1111fs, F1127fs, F1128fs, F1141fs.
Identifiers: ClinVar variation 94303 (VCV000094303.13), dbSNP rs398123780, ClinGen allele CA222154.
Genomic context (GRCh38, chr2:71,574,346, plus strand): 5'-CCTTCCGCCGCCGCCGCTGGCGCCGTCGCATGGAGCCACTGGAGAAGACGGGGCCTGCAG[CTG>C]TGTTTGCCCTTGAGGGGGCCCTGGTATGTGGGGCTGCACTTGTCCTGGCTTGGGTAGGGT-3'

ClinVar aggregate classification (germline): Pathogenic. Review status: reviewed by expert panel (3 of 4 stars). 5 submissions from 5 submitters: Pathogenic (1). 4 of the submissions do not count toward it. Last evaluated 2026-02-10.

Conditions:
Limb-girdle muscular dystrophy (LGMD). Also called: Muscular Dystrophies, Limb-Girdle. Identifiers: Orphanet 263, MedGen C0686353, MeSH D049288, MONDO:0016971, HP:0006785.
Miyoshi muscular dystrophy 1 (MMD1). Identifiers: Orphanet 45448, MedGen C4551973, MONDO:0024545, OMIM 254130.

Submissions (5):

ClinGen Limb Girdle Muscular Dystrophy Variant Curation Expert Panel, ClinGen
Classification: Pathogenic for Limb-girdle muscular dystrophy. Last evaluated: 2026-02-10. Review status: reviewed by expert panel. Criteria: ClinGen LGMD VCEP ACMG Specifications DYSF V2.0.0. Collection method: curation. Allele origin: germline. Inheritance: Autosomal recessive inheritance.
Comment: The NM_003494.4: c.3327_3328del p.(Phe1110CysfsTer3) variant in DYSF, which is also known as NM_001130987.2: c.3381_3382del p.(Phe1128CysfsTer3), is a frameshift variant that is predicted to result in a premature stop codon in exon 30/55, leading to nonsense mediated decay in a gene in which loss of function is an established mechanism of disease (PVS1). This variant has been reported in at least two unrelated patients with clinical signs of LGMD (PMID: 35723113, 34559919), including in unconfirmed phase with a pathogenic variant (NM_003494.4: c.965T>C p.(Leu322Pro), PMID: 34559919, 0.5 pts) (PM3_Supporting). At least one patient with this variant and a second presumed diagnostic DYSF variant displayed progressive limb girdle muscle weakness (PMID: 34559919; PP4). This variant is also absent from gnomAD v4.1.0 (PM2_Supporting). In summary, this variant meets the criteria to be classified as Pathogenic for autosomal recessive limb girdle muscular dystrophy based on the ACMG/AMP criteria applied, as specified by the ClinGen LGMD VCEP specifications version 2.0.0; 02/10/2026): PVS1, PM3_Supporting, PP4, PM2_Supporting.

Baylor Genetics
Classification: Pathogenic for Miyoshi muscular dystrophy 1. Last evaluated: 2023-09-05. Review status: criteria provided, single submitter. Criteria: ACMG Guidelines, 2015. Collection method: clinical testing. Allele origin: unknown. Not counted in ClinVar's aggregate classification.

Revvity Omics, Revvity
Classification: Pathogenic. Last evaluated: 2019-03-12. Review status: criteria provided, single submitter. Criteria: ACMG Guidelines, 2015. Collection method: clinical testing. Allele origin: germline. Not counted in ClinVar's aggregate classification.

Eurofins Ntd Llc (ga)
Classification: Pathogenic. Last evaluated: 2012-10-17. Review status: criteria provided, single submitter. Criteria: EGL Classification Definitions. Collection method: clinical testing. Allele origin: germline. Observed: 1 variant allele, 1 heterozygote. Not counted in ClinVar's aggregate classification.

Neuberg Centre For Genomic Medicine, NCGM
Classification: Likely pathogenic for Miyoshi muscular dystrophy 1. Review status: criteria provided, single submitter. Criteria: ACMG Guidelines, 2015. Collection method: clinical testing. Allele origin: germline. Inheritance: Autosomal recessive inheritance. Affected: yes. Not counted in ClinVar's aggregate classification.
Comment: The c.3381_3382del (p.Phe1128CysfsTer3) frameshift variant in DYSF gene has been submitted to ClinVar as Pathogenic, but no details are available for independent assessment. It has not been reported in affected individuals. The p.Phe1128CysfsTer3 variant is novel (not in any individuals) in gnomAD Exomes and is novel (not in any individuals) in 1000 Genomes. This variant causes a frameshift starting with codon Phenylalanine 1128, changes this amino acid to Cysteine residue, and creates a premature Stop codon at position 3 of the new reading frame, denoted p.Phe1128CysfsTer3. This variant is predicted to cause loss of normal protein function through protein truncation. Loss of function variants have been previously reported to be disease causing. For these reasons, this variant has been classified as Likely Pathogenic